The following is an entry in ClinVar:

NM_000077.5(CDKN2A):c.458-491C>T

Gene: CDKN2A (cyclin dependent kinase inhibitor 2A; minus strand). Cytogenetic location: 9p21.3.
Variant type: single nucleotide variant.
Coding change: c.458-491C>T on transcript NM_000077.5 (MANE Select); 491 bases into the intron before coding-DNA position 458, C replaced by T.
Molecular consequence: intron variant. On other transcripts: missense variant (1).
Genome position (GRCh38, 1-based): chr9:21,968,733, G>A on the plus strand (C>T on the coding strand, the complement: CDKN2A is on the minus strand). VCF-style: chr9-21968733-G-A. GRCh37 (hg19) VCF-style: chr9-21968732-G-A.
Other names: NC_000009.11:g.21968732G>A; c.496C>T, p.His166Tyr (NM_001195132.2); c.305-491C>T (NM_001363763.2); c.*102-491C>T (NM_058195.4); c.*381-491C>T (NM_058197.5); short protein forms H166Y.
Identifiers: ClinVar variation 133880 (VCV000133880.35), dbSNP rs181044510, ClinGen allele CA158070.

ClinVar aggregate classification (germline): Conflicting classifications of pathogenicity. Review status: criteria provided, conflicting classifications (1 of 4 stars). 7 submissions from 7 submitters: Uncertain significance (1); Likely benign (4). 2 of the submissions do not count toward it. Last evaluated 2025-07-22.

Conditions:
Melanoma-pancreatic cancer syndrome. Identifiers: Orphanet 404560, MedGen C1838547, MONDO:0011713, OMIM 606719. Disease mechanism: loss of function.

Allele frequency attached by ClinVar (database versions not stated): TOPMed 0.00032; 1000 Genomes Project 30x 0.00078; 1000 Genomes Project 0.00100; ExAC 0.00033; gnomAD exomes 0.00138 and 0.00078; gnomAD 0.00229 and 0.00220.
gnomAD v4.1: 1,434 of 1,536,164 alleles (0.093%); highest among the groups gnomAD compares: East Asian, 0.16%; 14 homozygotes.

Submissions (8):

ARUP Laboratories, Molecular Genetics and Genomics, ARUP Laboratories
Classification: Likely benign. Last evaluated: 2025-07-22. Review status: criteria provided, single submitter. Criteria: ARUP Molecular Germline Variant Investigation Process 2024. Collection method: clinical testing. Allele origin: germline.

Blueprint Genetics
Classification: Likely benign. Last evaluated: 2024-11-14. Review status: criteria provided, single submitter. Criteria: ACMG Guidelines, 2015. Collection method: clinical testing. Allele origin: germline.

CeGaT Center for Human Genetics Tuebingen
Classification: Likely benign. Last evaluated: 2024-11-01. Review status: criteria provided, single submitter. Criteria: CeGaT Center For Human Genetics Tuebingen Variant Classification Criteria Version 2. Collection method: clinical testing. Allele origin: germline. Affected: yes. Observed: 4 variant alleles.
Comment: CDKN2A: BP4, BS2

Institute for Clinical Genetics, University Hospital TU Dresden, University Hospital TU Dresden
Classification: Uncertain significance. Last evaluated: 2021-11-03. Review status: criteria provided, single submitter. Criteria: ACMG Guidelines, 2015. Collection method: clinical testing. Allele origin: germline.

GeneDx
Classification: Likely benign. Last evaluated: 2018-11-12. Review status: criteria provided, single submitter. Criteria: GeneDx Variant Classification Process June 2021. Collection method: clinical testing. Allele origin: germline. Affected: yes.
Comment: This variant is associated with the following publications: (PMID: 24728327)

Counsyl
Classification: Benign for Melanoma-pancreatic cancer syndrome. Last evaluated: 2016-10-26. Review status: no assertion criteria provided. Collection method: clinical testing. Allele origin: unknown. Not counted in ClinVar's aggregate classification.

ITMI
No classification provided. Condition: AllHighlyPenetrant. Last evaluated: 2013-09-19. Review status: no classification provided. Collection method: reference population. Allele origin: germline. Not counted in ClinVar's aggregate classification.
Comment: Please see associated publication for description of ethnicities

Dr. Peter K. Rogan Lab, Western University
No classification provided (evidence only). Condition: Malignant tumor of esophagus. Review status: no classification provided. Collection method: in vitro. Allele origin: not applicable. Functional consequence: retained intron. Not counted in ClinVar's aggregate classification.

Literature cited by the submitters: PubMed 24728327 (cited by Counsyl and ITMI); PubMed 25479140 (cited by Counsyl).